The following is an entry in ClinVar:

NM_004370.6(COL12A1):c.4609C>G (p.Pro1537Ala)

Gene: COL12A1 (collagen type XII alpha 1 chain; minus strand). Cytogenetic location: 6q13.
Variant type: single nucleotide variant.
Coding change: c.4609C>G on transcript NM_004370.6 (MANE Select); coding-DNA position 4609, C replaced by G.
Protein change: p.Pro1537Ala; replaces proline 1537 with alanine.
Molecular consequence: missense variant.
Genome position (GRCh38, 1-based): chr6:75,145,407, G>C on the plus strand (C>G on the coding strand, the complement: COL12A1 is on the minus strand). VCF-style: chr6-75145407-G-C. GRCh37 (hg19) VCF-style: chr6-75855123-G-C.
Other names: c.1117C>G, p.Pro373Ala (NM_080645.3); short protein forms P1537A, P373A.
Identifiers: ClinVar variation 2440251 (VCV002440251.6), dbSNP rs1028650601, ClinGen allele CA141000633.

ClinVar aggregate classification (germline): Uncertain significance. Review status: criteria provided, multiple submitters, no conflicts (2 of 4 stars). 3 submissions from 3 submitters: Uncertain significance (3). Last evaluated 2025-07-02.

Conditions:
Bethlem myopathy 2 (BTHLM2). Identifiers: Orphanet 536516, Orphanet 610, MedGen C4225313, MONDO:0034022, OMIM 616471.
Ullrich congenital muscular dystrophy 2 (UCMD2). Identifiers: Orphanet 75840, MedGen C4225314, MONDO:0014654, OMIM 616470.

Allele frequency attached by ClinVar (database versions not stated): TOPMed below 0.00001.

Submissions (3):

Labcorp Genetics (formerly Invitae), Labcorp
Classification: Uncertain significance for Bethlem myopathy 2; Ullrich congenital muscular dystrophy 2. Last evaluated: 2025-07-02. Review status: criteria provided, single submitter. Criteria: Invitae Variant Classification Sherloc (09022015). Collection method: clinical testing. Allele origin: germline.
Comment: This sequence change replaces proline, which is neutral and non-polar, with alanine, which is neutral and non-polar, at codon 1537 of the COL12A1 protein (p.Pro1537Ala). This variant is not present in population databases (gnomAD no frequency). This variant has not been reported in the literature in individuals affected with COL12A1-related conditions. ClinVar contains an entry for this variant (Variation ID: 2440251). Invitae Evidence Modeling of protein sequence and biophysical properties (such as structural, functional, and spatial information, amino acid conservation, physicochemical variation, residue mobility, and thermodynamic stability) indicates that this missense variant is not expected to disrupt COL12A1 protein function with a negative predictive value of 80%. In summary, the available evidence is currently insufficient to determine the role of this variant in disease. Therefore, it has been classified as a Variant of Uncertain Significance.

GeneDx
Classification: Uncertain significance. Last evaluated: 2024-02-21. Review status: criteria provided, single submitter. Criteria: GeneDx Variant Classification Process June 2021. Collection method: clinical testing. Allele origin: germline. Affected: yes.
Comment: Has not been previously published as pathogenic or benign to our knowledge; Not observed at significant frequency in large population cohorts (gnomAD); In silico analysis supports that this missense variant has a deleterious effect on protein structure/function

Revvity Omics, Revvity
Classification: Uncertain significance. Last evaluated: 2020-08-21. Review status: criteria provided, single submitter. Criteria: ACMG Guidelines, 2015. Collection method: clinical testing. Allele origin: germline.